The following is an entry in ClinVar:

ClinVar aggregate classification (germline): Pathogenic (1 of 4 stars; one submission).

Conditions:
Tooth agenesis, selective, 4 (STHAG4). Also called: SUCCEDANEOUS TEETH, AGENESIS OF; TOOTH AGENESIS, SELECTIVE, 4, WITH OR WITHOUT ECTODERMAL DYSPLASIA; LATERAL INCISORS, ABSENCE OF; LATERAL INCISORS, PEGGED OR MISSING. Identifiers: Orphanet 99798, MedGen C1835492, MONDO:0007881, OMIM 150400. Disease mechanism: loss of function.
Odonto-onycho-dermal dysplasia. Identifiers: Orphanet 2721, MedGen C0796093, MONDO:0009773, OMIM 257980.

Submission:

Labcorp Genetics (formerly Invitae), Labcorp
Classification: Pathogenic for Tooth agenesis, selective, 4; Odontoonychodermal dysplasia. Last evaluated: 2018-08-01. Review status: criteria provided, single submitter. Criteria: Invitae Variant Classification Sherloc (09022015). Collection method: clinical testing. Allele origin: germline.
Comment: A gross deletion of the genomic region encompassing the full coding sequence of the WNT10A gene has been identified. The boundaries of this event are unknown as the deletion extends beyond the assayed region for this gene and therefore may encompass additional genes. This variant has not been reported in the literature in individuals with WNT10A-related disease. Loss-of-function variants in WNT10A are known to be pathogenic (PMID:Â¬â€ 19559398, 24043634). For these reasons, this variant has been classified as Pathogenic.

NC_000002.12:g.(?_218880976)_(218893291_?)del

Genes: WNT10A (Wnt family member 10A; plus strand), LOC129935621 (ATAC-STARR-seq lymphoblastoid silent region 12332; plus strand), LOC129935623 (ATAC-STARR-seq lymphoblastoid silent region 12334; plus strand), LOC129935620 (ATAC-STARR-seq lymphoblastoid silent region 12331; plus strand), LOC129935622 (ATAC-STARR-seq lymphoblastoid silent region 12333; plus strand) and 2 more. Cytogenetic location: 2q35.
Variant type: Deletion.
Identifiers: ClinVar variation 464177 (VCV000464177.2).